The following is an entry in ClinVar:

NM_058216.3(RAD51C):c.245A>T (p.His82Leu)

Gene: RAD51C (RAD51 paralog C; plus strand). Cytogenetic location: 17q22.
Variant type: single nucleotide variant.
Coding change: c.245A>T on transcript NM_058216.3 (MANE Select); coding-DNA position 245, A replaced by T.
Protein change: p.His82Leu; replaces histidine 82 with leucine.
Molecular consequence: missense variant. On other transcripts: non-coding transcript variant (2).
Genome position (GRCh38, 1-based): chr17:58,695,030, A>T. VCF-style: chr17-58695030-A-T. GRCh37 (hg19) VCF-style: chr17-56772391-A-T.
Other names: c.245A>T, p.His82Leu (NM_002876.4); short protein forms H82L.
Identifiers: ClinVar variation 3429696 (VCV003429696.2).

ClinVar aggregate classification (germline): Uncertain significance. Review status: criteria provided, multiple submitters, no conflicts (2 of 4 stars). 2 submissions from 2 submitters: Uncertain significance (2). Last evaluated 2024-10-28.

Conditions:
Hereditary cancer-predisposing syndrome. Also called: Neoplastic Syndromes, Hereditary; Tumor predisposition; Hereditary Cancer Syndrome; Hereditary neoplastic syndrome. Identifiers: Orphanet 140162, MedGen C0027672, MeSH D009386, MONDO:0015356.
Breast-ovarian cancer, familial, susceptibility to, 3. Also called: RAD51C-Related Breast/Ovarian Cancer. Identifiers: Orphanet 145, MedGen C3150659, MONDO:0013253, OMIM 613399.

Submissions (2):

Ambry Genetics
Classification: Uncertain significance for Hereditary cancer-predisposing syndrome. Last evaluated: 2024-10-28. Review status: criteria provided, single submitter. Criteria: Ambry Variant Classification Scheme 2023. Collection method: clinical testing. Allele origin: germline.
Comment: The p.H82L variant (also known as c.245A>T), located in coding exon 2 of the RAD51C gene, results from an A to T substitution at nucleotide position 245. The histidine at codon 82 is replaced by leucine, an amino acid with similar properties. This amino acid position is conserved. In addition, this alteration is predicted to be tolerated by in silico analysis. Based on the available evidence, the clinical significance of this variant remains unclear.

Department of Pathology and Laboratory Medicine, Sinai Health System
Classification: Uncertain significance for Breast-ovarian cancer, familial, susceptibility to, 3. Last evaluated: 2023-05-17. Review status: criteria provided, single submitter. Criteria: ACMG Guidelines, 2015. Collection method: clinical testing. Allele origin: germline. Affected: yes.